The following is an entry in ClinVar:

ClinVar aggregate classification (germline): Pathogenic. Review status: criteria provided, single submitter (1 of 4 stars). 2 submissions from 2 submitters: Pathogenic (1). 1 of the submissions does not count toward it. Last evaluated 2023-06-06.

Conditions:
Breast-ovarian cancer, familial, susceptibility to, 2 (BROVCA2). Also called: BRCA2 Hereditary Breast and Ovarian Cancer. Identifiers: Orphanet 145, MedGen C2675520, MONDO:0012933, OMIM 612555. Disease mechanism: loss of function.

Submissions (2):

Myriad Genetics, Inc.
Classification: Pathogenic for Breast-ovarian cancer, familial, susceptibility to, 2. Last evaluated: 2023-06-06. Review status: criteria provided, single submitter. Criteria: Myriad Autosomal Dominant, Autosomal Recessive and X-Linked Classification Criteria (2023). Collection method: clinical testing. Allele origin: unknown.
Comment: This variant is considered pathogenic. This variant creates a frameshift predicted to result in premature protein truncation.

Counsyl
Classification: Likely pathogenic for Breast-ovarian cancer, familial, susceptibility to, 2. Last evaluated: 2018-01-29. Review status: no assertion criteria provided. Collection method: clinical testing. Allele origin: unknown. Not counted in ClinVar's aggregate classification.

NM_000059.4(BRCA2):c.1062dup (p.Val355fs)

Gene: BRCA2 (BRCA2 DNA repair associated; plus strand). Cytogenetic location: 13q13.1.
Variant type: Duplication.
Coding change: c.1062dup on transcript NM_000059.4 (MANE Select); coding-DNA position 1062, one base duplicated (T; older notation c.1062dupT).
Protein change: p.Val355fs; shifts the reading frame from valine 355.
Molecular consequence: frameshift variant.
Genome position (GRCh38, 1-based): chr13:32,332,540, T duplicated; the last of 3 consecutive T bases (chr13:32,332,538-32,332,540); duplicating any one gives the same sequence. VCF-style (leftmost placement, unchanged base first): chr13-32332537-A-AT. GRCh37 (hg19) VCF-style: chr13-32906674-A-AT.
Other names: c.1062dupT (NM_000059.3); short protein forms V355fs.
Identifiers: ClinVar variation 548850 (VCV000548850.4), dbSNP rs1555281716, ClinGen allele CA658823672.
Genomic context (GRCh38, chr13:32,332,537, plus strand): 5'-CCATGAAGCAAACGCTGATGAATGTGAAAAATCTAAAAACCAAGTGAAAGAAAAATACTC[A>AT]TTTGTATCTGAAGTGGAACCAAATGATACTGATCCATTAGATTCAAATGTAGCAAATCAG-3'